The following is an entry in ClinVar:

ClinVar aggregate classification (germline): Pathogenic. Review status: criteria provided, multiple submitters, no conflicts (2 of 4 stars). 4 submissions from 4 submitters: Pathogenic (3). 1 of the submissions does not count toward it. Last evaluated 2025-12-17.

Conditions:
Mitochondrial myopathy-cerebellar ataxia-pigmentary retinopathy syndrome. Also called: MYOPATHY, MITOCHONDRIAL, AND ATAXIA. Identifiers: Orphanet 502423, MedGen C4540096, MONDO:0044714, OMIM 617675.
Possible mitochondrial disorder - nuclear genes.

Submissions (4):

Genetics Laboratory, Great Ormond Street Hospital NHS Foundation Trust, North Thames Genomic Laboratory Hub
Classification: Pathogenic for Possible mitochondrial disorder - nuclear genes. Last evaluated: 2025-12-17. Review status: criteria provided, single submitter. Criteria: ACGS Best Practice Guidelines for Variant Classification in Rare Disease 2024 v1.2. Collection method: clinical testing. Allele origin: germline. Affected: yes.
Comment: PM2_moderate, PVS1_very-strong

Labcorp Genetics (formerly Invitae), Labcorp
Classification: Pathogenic. Last evaluated: 2024-11-27. Review status: criteria provided, single submitter. Criteria: Invitae Variant Classification Sherloc (09022015). Collection method: clinical testing. Allele origin: germline.
Comment: This sequence change affects an acceptor splice site in intron 10 of the MSTO1 gene. It is expected to disrupt RNA splicing. Variants that disrupt the donor or acceptor splice site typically lead to a loss of protein function (PMID: 16199547), and loss-of-function variants in MSTO1 are known to be pathogenic (PMID: 28544275, 29339779, 31463572). This variant is present in population databases (rs745944305, gnomAD 0.0009%). Disruption of this splice site has been observed in individual(s) with MSTO1-related mitochondrial myopathy (PMID: 29339779). In at least one individual the data is consistent with being in trans (on the opposite chromosome) from a pathogenic variant. ClinVar contains an entry for this variant (Variation ID: 987949). Algorithms developed to predict the effect of sequence changes on RNA splicing suggest that this variant may disrupt the consensus splice site. For these reasons, this variant has been classified as Pathogenic.

Laboratorio de Genetica e Diagnostico Molecular, Hospital Israelita Albert Einstein
Classification: Pathogenic for Mitochondrial myopathy-cerebellar ataxia-pigmentary retinopathy syndrome. Last evaluated: 2021-04-20. Review status: criteria provided, single submitter. Criteria: ACMG Guidelines, 2015. Collection method: clinical testing. Allele origin: germline. Affected: yes.
Comment: ACMG classification criteria: PVS1, PS4 supporting, PM2, PM3

OMIM
Classification: Pathogenic for MYOPATHY, MITOCHONDRIAL, AND ATAXIA, AUTOSOMAL RECESSIVE. Last evaluated: 2020-12-03. Review status: no assertion criteria provided. Collection method: literature only. Allele origin: germline. Not counted in ClinVar's aggregate classification.

Literature cited by the submitters: PubMed 16199547 (cited by Labcorp Genetics (formerly Invitae), Labcorp); PubMed 28544275 (cited by Labcorp Genetics (formerly Invitae), Labcorp); PubMed 29339779 (cited by Labcorp Genetics (formerly Invitae), Labcorp and OMIM); PubMed 31463572 (cited by Labcorp Genetics (formerly Invitae), Labcorp).

NM_018116.4(MSTO1):c.1099-1G>A

Gene: MSTO1 (misato mitochondrial distribution and morphology regulator 1; plus strand). Cytogenetic location: 1q22.
Variant type: single nucleotide variant.
Coding change: c.1099-1G>A on transcript NM_018116.4 (MANE Select); the canonical splice acceptor site of the intron before coding-DNA position 1099, G replaced by A.
Molecular consequence: splice acceptor variant.
Genome position (GRCh38, 1-based): chr1:155,613,048, G>A. VCF-style: chr1-155613048-G-A. GRCh37 (hg19) VCF-style: chr1-155582839-G-A.
Other names: IVS10AS, G-A, -1; c.568-1G>A (NM_001350779.1, NM_001350778.1, NM_001350777.1); c.556-1G>A (NM_001350784.1, NM_001350785.1, NM_001350789.1 and 1 more transcripts); c.565-1G>A (NM_001350781.1, NM_001350786.1, NM_001350788.1 and 3 more transcripts); c.934-1G>A (NM_001350776.1); c.1099-1G>A (NM_001350773.1, NM_001350774.1, NM_001350775.1 and 3 more transcripts).
Identifiers: ClinVar variation 987949 (VCV000987949.5), dbSNP rs745944305, ClinGen allele CA1148132.
Genomic context (GRCh38, chr1:155,613,048, plus strand): 5'-GTAAGGGGTTGGGTCAGTGCTGAGAAAATGTCCTATAACGTGTTCTCTTCCATCTCTTTA[G>A]GTGGTGACAGCAGGAGCAATCATCCCTTTCCCCTTGGCTCCAGGCCAGTCCCTTCCTGAT-3'